The following is an entry in ClinVar:

ClinVar aggregate classification (germline): Uncertain significance (1 of 4 stars; one submission).

Conditions:
Hereditary cancer-predisposing syndrome. Also called: Neoplastic Syndromes, Hereditary; Tumor predisposition; Hereditary Cancer Syndrome; Hereditary neoplastic syndrome. Identifiers: Orphanet 140162, MedGen C0027672, MeSH D009386, MONDO:0015356.

Submission:

Ambry Genetics
Classification: Uncertain significance for Hereditary cancer-predisposing syndrome. Last evaluated: 2025-01-27. Review status: criteria provided, single submitter. Criteria: Ambry Variant Classification Scheme 2023. Collection method: clinical testing. Allele origin: germline.
Comment: The p.E1022D variant (also known as c.3066G>C), located in coding exon 19 of the BRIP1 gene, results from a G to C substitution at nucleotide position 3066. The glutamic acid at codon 1022 is replaced by aspartic acid, an amino acid with highly similar properties. This amino acid position is poorly conserved in available vertebrate species. In addition, this alteration is predicted to be tolerated by in silico analysis.Since supporting evidence is limited at this time, the clinical significance of this alteration remains unclear.

NM_032043.3(BRIP1):c.3066G>C (p.Glu1022Asp)

Gene: BRIP1 (BRCA1 interacting DNA helicase 1; minus strand). Cytogenetic location: 17q23.2.
Variant type: single nucleotide variant.
Coding change: c.3066G>C on transcript NM_032043.3 (MANE Select); coding-DNA position 3066, G replaced by C.
Protein change: p.Glu1022Asp; replaces glutamic acid 1022 with aspartic acid.
Molecular consequence: missense variant.
Genome position (GRCh38, 1-based): chr17:61,683,980, C>G on the plus strand (G>C on the coding strand, the complement: BRIP1 is on the minus strand). VCF-style: chr17-61683980-C-G. GRCh37 (hg19) VCF-style: chr17-59761341-C-G.
Other names: short protein forms E1022D.
Identifiers: ClinVar variation 1799433 (VCV001799433.3), dbSNP rs2144089538, ClinGen allele CA400479882.
Genomic context (GRCh38, chr17:61,683,980, plus strand): 5'-TTCCATCTTCTCTGTTTTGAAACGGGGAGGACTAGAGGCACTATTCTCTGATGACCCGAG[C>G]TCAGGTGTTGCCTTCGGTATTTTACCAGTAAAATACTGTCCCAAAGAATTAAAGCTTGAC-3'
Protein context (NP_114432.2, residues 1012-1032): FTGKIPKATP[Glu1022Asp]LGSSENSASS